The following is an entry in ClinVar:

NM_001384125.1(BLTP1):c.4064C>T (p.Ser1355Leu)

Gene: BLTP1 (bridge-like lipid transfer protein family member 1; plus strand). Cytogenetic location: 4q27.
Variant type: single nucleotide variant.
Coding change: c.4064C>T on transcript NM_001384125.1 (MANE Select); coding-DNA position 4064, C replaced by T.
Protein change: p.Ser1355Leu; replaces serine 1355 with leucine.
Molecular consequence: missense variant.
Genome position (GRCh38, 1-based): chr4:122,239,746, C>T. VCF-style: chr4-122239746-C-T. GRCh37 (hg19) VCF-style: chr4-123160901-C-T.
Other names: c.4064C>T, p.Ser1355Leu (NM_015312.4); short protein forms S1355L.
Identifiers: ClinVar variation 1033763 (VCV001033763.3), dbSNP rs1000133230, ClinGen allele CA104788752.

ClinVar aggregate classification (germline): Uncertain significance. Review status: criteria provided, multiple submitters, no conflicts (2 of 4 stars). 3 submissions from 3 submitters: Uncertain significance (3). Last evaluated 2025-07-15.

Conditions:
Alkuraya-Kucinskas syndrome. Identifiers: Orphanet 610569, MedGen C4693347, MONDO:0060631, OMIM 617822.

Allele frequency attached by ClinVar (database versions not stated): gnomAD 0.00001 and 0.00002; gnomAD exomes 0.00001; TOPMed 0.00002.
gnomAD v4.1: 13 of 1,614,028 alleles (0.00081%); highest among the groups gnomAD compares: African/African-American, 0.0027%; no homozygotes.

Submissions (3):

Ambry Genetics
Classification: Uncertain significance. Last evaluated: 2025-07-15. Review status: criteria provided, single submitter. Criteria: Ambry Variant Classification Scheme 2023. Collection method: clinical testing. Allele origin: germline.

Blueprint Genetics
Classification: Uncertain significance. Last evaluated: 2024-05-30. Review status: criteria provided, single submitter. Criteria: ACMG Guidelines, 2015. Collection method: clinical testing. Allele origin: germline.

Baylor Genetics
Classification: Uncertain significance for Alkuraya-Kucinskas syndrome. Last evaluated: 2018-09-06. Review status: criteria provided, single submitter. Criteria: ACMG Guidelines, 2015. Collection method: clinical testing. Allele origin: paternal. Affected: yes.
Comment: This variant was determined to be of uncertain significance according to ACMG Guidelines, 2015 [PMID:25741868].